The following is an entry in ClinVar:

ClinVar aggregate classification (germline): Uncertain significance. Review status: criteria provided, multiple submitters, no conflicts (2 of 4 stars). 2 submissions from 2 submitters: Uncertain significance (2). Last evaluated 2025-06-20.

Conditions:
Inborn genetic diseases. Identifiers: MedGen C0950123, MeSH D030342.
Autosomal recessive limb-girdle muscular dystrophy type R18 (LGMDR18). Also called: Limb-girdle muscular dystrophy, type 2S; Autosomal recessive limb-girdle muscular dystrophy type 2S; MUSCULAR DYSTROPHY, LIMB-GIRDLE, AUTOSOMAL RECESSIVE 18. Identifiers: Orphanet 369840, MedGen C4517996, MONDO:0014144, OMIM 615356.

Allele frequency attached by ClinVar (database versions not stated): gnomAD exomes 0.00002 and 0.00003; ExAC 0.00005; gnomAD 0.00005 and 0.00006; TOPMed 0.00006.
gnomAD v4.1: 37 of 1,594,268 alleles (0.0023%); highest among the groups gnomAD compares: Non-Finnish European, 0.0031%; no homozygotes.

Submissions (2):

Labcorp Genetics (formerly Invitae), Labcorp
Classification: Uncertain significance for Autosomal recessive limb-girdle muscular dystrophy type R18. Last evaluated: 2025-06-20. Review status: criteria provided, single submitter. Criteria: Invitae Variant Classification Sherloc (09022015). Collection method: clinical testing. Allele origin: germline.
Comment: This sequence change replaces aspartic acid, which is acidic and polar, with asparagine, which is neutral and polar, at codon 151 of the TRAPPC11 protein (p.Asp151Asn). This variant is present in population databases (rs770451885, gnomAD 0.007%). This variant has not been reported in the literature in individuals affected with TRAPPC11-related conditions. ClinVar contains an entry for this variant (Variation ID: 1414192). Invitae Evidence Modeling of protein sequence and biophysical properties (such as structural, functional, and spatial information, amino acid conservation, physicochemical variation, residue mobility, and thermodynamic stability) has been performed for this missense variant. However, the output from this modeling did not meet the statistical confidence thresholds required to predict the impact of this variant on TRAPPC11 protein function. Algorithms developed to predict the effect of sequence changes on RNA splicing suggest that this variant may disrupt the consensus splice site. In summary, the available evidence is currently insufficient to determine the role of this variant in disease. Therefore, it has been classified as a Variant of Uncertain Significance.

Ambry Genetics
Classification: Uncertain significance for Inborn genetic diseases. Last evaluated: 2025-03-07. Review status: criteria provided, single submitter. Criteria: Ambry Variant Classification Scheme 2023. Collection method: clinical testing. Allele origin: germline.

NM_021942.6(TRAPPC11):c.451G>A (p.Asp151Asn)

Gene: TRAPPC11 (trafficking protein particle complex subunit 11; plus strand). Cytogenetic location: 4q35.1.
Variant type: single nucleotide variant.
Coding change: c.451G>A on transcript NM_021942.6 (MANE Select); coding-DNA position 451, G replaced by A.
Protein change: p.Asp151Asn; replaces aspartic acid 151 with asparagine.
Molecular consequence: missense variant.
Genome position (GRCh38, 1-based): chr4:183,668,008, G>A. VCF-style: chr4-183668008-G-A. GRCh37 (hg19) VCF-style: chr4-184589161-G-A.
Other names: c.451G>A, p.Asp151Asn (NM_199053.3); c.451G>A (NM_021942.4); short protein forms D151N.
Identifiers: ClinVar variation 1414192 (VCV001414192.7), dbSNP rs770451885, ClinGen allele CA3151596.